The following is an entry in ClinVar:

NM_001393504.1(MAST3):c.3199G>C (p.Glu1067Gln)

Gene: MAST3 (microtubule associated serine/threonine kinase 3; plus strand). Cytogenetic location: 19p13.11.
Variant type: single nucleotide variant.
Coding change: c.3199G>C on transcript NM_001393504.1 (MANE Select); coding-DNA position 3199, G replaced by C.
Protein change: p.Glu1067Gln; replaces glutamic acid 1067 with glutamine.
Molecular consequence: missense variant.
Genome position (GRCh38, 1-based): chr19:18,146,917, G>C. VCF-style: chr19-18146917-G-C. GRCh37 (hg19) VCF-style: chr19-18257727-G-C.
Other names: c.3223G>C, p.Glu1075Gln (NM_001393501.1); c.3202G>C, p.Glu1068Gln (NM_001393502.1); c.3199G>C, p.Glu1067Gln (NM_001393503.1); c.3196G>C, p.Glu1066Gln (NM_001393505.1); c.3151G>C, p.Glu1051Gln (NM_001393506.1, NM_001393513.1); c.3178G>C, p.Glu1060Gln (NM_001393507.1); c.3133G>C, p.Glu1045Gln (NM_001393508.1, NM_001393516.1); c.3130G>C, p.Glu1044Gln (NM_001393509.1, NM_001393510.1, NM_001393512.1 and 2 more transcripts); and 4 more; short protein forms E1067Q, E1075Q, E1029Q, E1044Q, E1051Q, E1066Q, E1037Q, E1045Q.
Identifiers: ClinVar variation 4056016 (VCV004056016.2).

ClinVar aggregate classification (germline): Uncertain significance (1 of 4 stars; one submission).

Submission:

GeneDx
Classification: Uncertain significance. Last evaluated: 2025-12-11. Review status: criteria provided, single submitter. Criteria: GeneDx Variant Classification Process June 2021. Collection method: clinical testing. Allele origin: germline.
Comment: Not observed at significant frequency in large population cohorts (gnomAD); In silico analysis supports that this missense variant has a deleterious effect on protein structure/function; Has not been previously published as pathogenic or benign to our knowledge